The following is an entry in ClinVar:

ClinVar aggregate classification (germline): Uncertain significance. Review status: criteria provided, multiple submitters, no conflicts (2 of 4 stars). 2 submissions from 2 submitters: Uncertain significance (2). Last evaluated 2023-11-29.

Conditions:
Gastrointestinal stromal tumor. Also called: Gastrointestinal stromal tumor, somatic; Gastrointestinal stroma tumor. Identifiers: Orphanet 44890, MedGen C0238198, MeSH D046152, MONDO:0011719, OMIM 606764, HP:0100723.

Submissions (2):

Labcorp Genetics (formerly Invitae), Labcorp
Classification: Uncertain significance for Gastrointestinal stromal tumor. Last evaluated: 2023-11-29. Review status: criteria provided, single submitter. Criteria: Invitae Variant Classification Sherloc (09022015). Collection method: clinical testing. Allele origin: germline.
Comment: This sequence change replaces glutamic acid, which is acidic and polar, with glycine, which is neutral and non-polar, at codon 65 of the PDGFRA protein (p.Glu65Gly). This variant is not present in population databases (gnomAD no frequency). This variant has not been reported in the literature in individuals affected with PDGFRA-related conditions. Advanced modeling of protein sequence and biophysical properties (such as structural, functional, and spatial information, amino acid conservation, physicochemical variation, residue mobility, and thermodynamic stability) performed at Invitae indicates that this missense variant is not expected to disrupt PDGFRA protein function with a negative predictive value of 80%. In summary, the available evidence is currently insufficient to determine the role of this variant in disease. Therefore, it has been classified as a Variant of Uncertain Significance.

GeneDx
Classification: Uncertain significance. Last evaluated: 2023-10-25. Review status: criteria provided, single submitter. Criteria: GeneDx Variant Classification Process June 2021. Collection method: clinical testing. Allele origin: germline. Affected: yes.
Comment: Not observed at significant frequency in large population cohorts (gnomAD); In silico analysis supports that this missense variant does not alter protein structure/function; Has not been previously published as pathogenic or benign to our knowledge

NM_006206.6(PDGFRA):c.194A>G (p.Glu65Gly)

Gene: PDGFRA (platelet derived growth factor receptor alpha; plus strand). Cytogenetic location: 4q12.
Variant type: single nucleotide variant.
Coding change: c.194A>G on transcript NM_006206.6 (MANE Select); coding-DNA position 194, A replaced by G.
Protein change: p.Glu65Gly; replaces glutamic acid 65 with glycine.
Molecular consequence: missense variant.
Genome position (GRCh38, 1-based): chr4:54,261,239, A>G. VCF-style: chr4-54261239-A-G. GRCh37 (hg19) VCF-style: chr4-55127406-A-G.
Other names: c.194A>G, p.Glu65Gly (NM_001347827.2, NM_001347829.2); c.269A>G, p.Glu90Gly (NM_001347828.2); c.233A>G, p.Glu78Gly (NM_001347830.2); short protein forms E65G, E78G, E90G.
Identifiers: ClinVar variation 2696658 (VCV002696658.4), dbSNP rs1163869258, ClinGen allele CA356888463.